The following is an entry in ClinVar:

ClinVar aggregate classification (germline): Pathogenic/Likely pathogenic. Review status: criteria provided, multiple submitters, no conflicts (2 of 4 stars). 5 submissions from 5 submitters: Pathogenic (2); Likely pathogenic (2). 1 of the submissions does not count toward it. Last evaluated 2024-01-16.

Conditions:
Familial cancer of breast. Also called: BREAST CANCER, FAMILIAL; Hereditary breast cancer; hereditary breast carcinoma. Identifiers: Orphanet 227535, MedGen C0346153, MONDO:0016419, OMIM 114480. Disease mechanism: loss of function.
Ataxia-telangiectasia syndrome (AT). Also called: Ataxia-telangiectasia, complementation group D; ATAXIA-TELANGIECTASIA, COMPLEMENTATION GROUP A; ATAXIA-TELANGIECTASIA, FRESNO VARIANT; Ataxia-telangiectasia; LOUIS-BAR SYNDROME; AT, COMPLEMENTATION GROUP C. Identifiers: Orphanet 100, MedGen C0004135, MONDO:0008840, OMIM 208900.

Submissions (5):

Myriad Genetics, Inc.
Classification: Pathogenic for Familial cancer of breast. Last evaluated: 2024-01-16. Review status: criteria provided, single submitter. Criteria: Myriad Autosomal Dominant, Autosomal Recessive and X-Linked Classification Criteria (2023). Collection method: clinical testing. Allele origin: unknown.
Comment: This variant is considered pathogenic. This variant creates a frameshift predicted to result in premature protein truncation.

Baylor Genetics
Classification: Likely pathogenic for Familial cancer of breast. Last evaluated: 2023-11-22. Review status: criteria provided, single submitter. Criteria: ACMG Guidelines, 2015. Collection method: clinical testing. Allele origin: unknown.

Genetic Services Laboratory, University of Chicago
Classification: Pathogenic. Last evaluated: 2020-06-03. Review status: criteria provided, single submitter. Criteria: ACMG Guidelines, 2015. Collection method: clinical testing. Allele origin: germline. Affected: yes.
Comment: DNA sequence analysis of the ATM gene demonstrated a single base pair deletion in exon 10, c.1367del. This pathogenic sequence change results in an amino acid frameshift and creates a premature stop codon 16 amino acids downstream of the mutation, p.Leu456Tyrfs*17. This pathogenic sequence change is predicted to result in an abnormal transcript, which may be degraded, or may lead to the production of a truncated ATM protein with potentially abnormal function. This sequence change is absent from known population databases (gnomAD). This sequence change has not been previously described in patients with ATM-related disorders; however, other truncating variants have been described in this gene. These collective evidences indicate that this sequence change is pathogenic.

GeneDx
Classification: Likely pathogenic. Last evaluated: 2018-03-08. Review status: criteria provided, single submitter. Criteria: GeneDx Variant Classification (06012015). Collection method: clinical testing. Allele origin: germline. Affected: yes.
Comment: This deletion of one nucleotide in ATM is denoted c.1367delT at the cDNA level and p.Leu456TyrfsX17 (L456YfsX17) at the protein level. The normal sequence, with the base that is deleted in brackets, is GTGT[delT]ACGA. The deletion causes a frameshift which changes a Leucine to a Tyrosine at codon 456, and creates a premature stop codon at position 17 of the new reading frame. Although this variant has not, to our knowledge, been reported in the literature as a germline variant, it is predicted to cause loss of normal protein function through either protein truncation or nonsense-mediated mRNA decay. Based on currently available evidence, we consider ATM c.1367delT to be a likely pathogenic variant.

Natera, Inc.
Classification: Likely pathogenic for Ataxia-telangiectasia. Last evaluated: 2020-07-09. Review status: no assertion criteria provided. Collection method: clinical testing. Allele origin: germline. Not counted in ClinVar's aggregate classification.

NM_000051.4(ATM):c.1367del (p.Leu456fs)

Gene: ATM (ATM serine/threonine kinase; plus strand). Cytogenetic location: 11q22.3.
Variant type: Deletion.
Coding change: c.1367del on transcript NM_000051.4 (MANE Select); coding-DNA position 1367, one base deleted (T; older notation c.1367delT).
Protein change: p.Leu456fs; shifts the reading frame from leucine 456.
Molecular consequence: frameshift variant.
Genome position (GRCh38, 1-based): chr11:108,250,832, T deleted; the last of 2 consecutive T bases (chr11:108,250,831-108,250,832); deleting either gives the same sequence. VCF-style (leftmost placement, unchanged base first): chr11-108250830-GT-G. GRCh37 (hg19) VCF-style: chr11-108121557-GT-G.
Other names: c.1367delT (NM_000051.3); c.1367del, p.Leu456fs (NM_001351834.2); short protein forms L456fs.
Identifiers: ClinVar variation 545887 (VCV000545887.9), dbSNP rs1555070832, ClinGen allele CA658821428.